The following is an entry in ClinVar:

NM_001377299.1(NDUFS2):c.1212G>A (p.Lys404=)

Gene: NDUFS2 (NADH:ubiquinone oxidoreductase core subunit S2; plus strand). Cytogenetic location: 1q23.3.
Variant type: single nucleotide variant.
Coding change: c.1212G>A on transcript NM_001377299.1 (MANE Select); coding-DNA position 1212, G replaced by A.
Protein change: p.Lys404=; no amino-acid change (lysine 404 retained).
Molecular consequence: synonymous variant. On other transcripts: non-coding transcript variant (1).
Genome position (GRCh38, 1-based): chr1:161,213,475, G>A. VCF-style: chr1-161213475-G-A. GRCh37 (hg19) VCF-style: chr1-161183265-G-A.
Other names: p.K404K:AAG>AAA; c.1212G>A, p.Lys404= (NM_001166159.2, NM_001377298.1, NM_001377300.1 and 3 more transcripts).
Identifiers: ClinVar variation 214796 (VCV000214796.18), dbSNP rs145959971, ClinGen allele CA323661.

ClinVar aggregate classification (germline): Conflicting classifications of pathogenicity. Review status: criteria provided, conflicting classifications (1 of 4 stars). 7 submissions from 7 submitters: Uncertain significance (6); Likely benign (1). Last evaluated 2026-06-12.

Conditions:
Mitochondrial complex I deficiency, nuclear type 6. Also called: Mitochondrial complex 1 deficiency, nuclear type 6. Identifiers: MedGen C4748759, MONDO:0032611, OMIM 618228.
Mitochondrial complex I deficiency, nuclear type 1. Also called: NADH-COENZYME Q REDUCTASE DEFICIENCY; MITOCHONDRIAL NADH DEHYDROGENASE COMPONENT OF COMPLEX I, DEFICIENCY OF. Identifiers: MedGen C6022305, MONDO:0100224, OMIM 252010.
NDUFS2-related disorder. Also called: NDUFS2-related condition.

Allele frequency attached by ClinVar (database versions not stated): gnomAD exomes 0.00030 and 0.00026; ExAC 0.00036; ESP Exome Variant Server 0.00038; gnomAD 0.00023; TOPMed 0.00023.

Submissions (13):

PreventionGenetics, part of Exact Sciences
Classification: Likely benign for NDUFS2-related condition. Last evaluated: 2026-06-12. Review status: criteria provided, single submitter. Criteria: ACMG Guidelines, 2015. Collection method: clinical testing. Allele origin: germline.
Comment: This variant is classified as likely benign based on ACMG/AMP sequence variant interpretation guidelines (Richards et al. 2015 PMID: 25741868, with internal and published modifications).

Labcorp Genetics (formerly Invitae), Labcorp
Classification: Uncertain significance. Last evaluated: 2025-01-06. Review status: criteria provided, single submitter. Criteria: Invitae Variant Classification Sherloc (09022015). Collection method: clinical testing. Allele origin: germline.
Comment: This sequence change affects codon 404 of the NDUFS2 mRNA. It is a 'silent' change, meaning that it does not change the encoded amino acid sequence of the NDUFS2 protein. This variant also falls at the last nucleotide of exon 12, which is part of the consensus splice site for this exon. This variant is present in population databases (rs145959971, gnomAD 0.07%). This variant has not been reported in the literature in individuals affected with NDUFS2-related conditions. ClinVar contains an entry for this variant (Variation ID: 214796). Variants that disrupt the consensus splice site are a relatively common cause of aberrant splicing (PMID: 17576681, 9536098). Algorithms developed to predict the effect of sequence changes on RNA splicing suggest that this variant is not likely to affect RNA splicing. In summary, the available evidence is currently insufficient to determine the role of this variant in disease. Therefore, it has been classified as a Variant of Uncertain Significance.

GeneDx
Classification: Uncertain significance. Last evaluated: 2024-12-10. Review status: criteria provided, single submitter. Criteria: GeneDx Variant Classification Process June 2021. Collection method: clinical testing. Allele origin: germline. Affected: yes.
Comment: Reported in an individual with drug resistant epilepsy who is also homozygous for a variant in SV2A (PMID: 37985816); In silico analysis indicates that this variant does not alter splicing; This variant is associated with the following publications: (PMID: 37985816)

Genome-Nilou Lab
Classification: Uncertain significance for Mitochondrial complex I deficiency, nuclear type 6. Last evaluated: 2023-04-11. Review status: criteria provided, single submitter. Criteria: ACMG Guidelines, 2015. Collection method: clinical testing. Allele origin: germline. Affected: no.

Department of Genetics, Sultan Qaboos University Hospital
Classification: Uncertain significance for Mitochondrial complex I deficiency, nuclear type 6. Last evaluated: 2017-12-30. Review status: criteria provided, single submitter. Criteria: ACMG Guidelines, 2015. Collection method: curation. Allele origin: unknown. Affected: yes.

Illumina Laboratory Services, Illumina
Classification: Uncertain significance for Mitochondrial complex I deficiency, nuclear type 1. Last evaluated: 2017-04-27. Review status: criteria provided, single submitter. Criteria: ICSL Variant Classification Criteria 13 December 2019. Collection method: clinical testing. Allele origin: germline.

Breakthrough Genomics
Classification: Uncertain significance. Review status: criteria provided, single submitter. Criteria: ACMG Guidelines, 2015. Collection method: not provided. Allele origin: germline. Inheritance: Autosomal recessive inheritance. Affected: yes.

Dr. Peter K. Rogan Lab, Western University
No classification provided (evidence only). Condition: Malignant tumor of urinary bladder. Review status: no classification provided. Collection method: in vitro. Allele origin: not applicable. Functional consequence: skipped exon. Not counted in ClinVar's aggregate classification.

Dr. Peter K. Rogan Lab, Western University
No classification provided (evidence only). Condition: Malignant tumor of urinary bladder. Review status: no classification provided. Collection method: in vitro. Allele origin: not applicable. Functional consequence: skipped exon, retained intron. Not counted in ClinVar's aggregate classification.

Dr. Peter K. Rogan Lab, Western University
No classification provided (evidence only). Condition: Lung cancer. Review status: no classification provided. Collection method: in vitro. Allele origin: not applicable. Functional consequence: skipped exon, retained intron. Not counted in ClinVar's aggregate classification.

Dr. Peter K. Rogan Lab, Western University
No classification provided (evidence only). Condition: Nonpapillary renal cell carcinoma. Review status: no classification provided. Collection method: in vitro. Allele origin: not applicable. Functional consequence: skipped exon, retained intron. Not counted in ClinVar's aggregate classification.

Dr. Peter K. Rogan Lab, Western University
No classification provided (evidence only). Condition: Ovarian serous cystadenocarcinoma. Review status: no classification provided. Collection method: in vitro. Allele origin: not applicable. Functional consequence: retained intron. Not counted in ClinVar's aggregate classification.

Dr. Peter K. Rogan Lab, Western University
No classification provided (evidence only). Condition: Ovarian serous cystadenocarcinoma. Review status: no classification provided. Collection method: in vitro. Allele origin: not applicable. Functional consequence: retained intron. Not counted in ClinVar's aggregate classification.

Literature cited by the submitters: PubMed 17576681 (cited by Labcorp Genetics (formerly Invitae), Labcorp); PubMed 9536098 (cited by Labcorp Genetics (formerly Invitae), Labcorp).